The following is an entry in ClinVar:

NM_005259.3(MSTN):c.*574G>A

Genes: C2orf88 (chromosome 2 open reading frame 88; plus strand), MSTN (myostatin; minus strand). Cytogenetic location: 2q32.2.
Variant type: single nucleotide variant.
Coding change: c.*574G>A on transcript NM_005259.3 (MANE Select); 574 bases downstream of the stop codon, G replaced by A.
Molecular consequence: 3 prime UTR variant.
Genome position (GRCh38, 1-based): chr2:190,056,684, C>T on the plus strand (G>A on the coding strand, the complement: MSTN is on the minus strand). VCF-style: chr2-190056684-C-T. GRCh37 (hg19) VCF-style: chr2-190921410-C-T.
Other names: c.*574G>A (LRG_200t1).
Identifiers: ClinVar variation 333225 (VCV000333225.5), dbSNP rs114597606, ClinGen allele CA10612247.

ClinVar aggregate classification (germline): Likely benign (1 of 4 stars; one submission).

Conditions:
Myostatin-related muscle hypertrophy (MSLHP). Also called: MUSCLE HYPERTROPHY. Identifiers: Orphanet 275534, MedGen C2931112, MONDO:0013598, OMIM 614160.

Allele frequency attached by ClinVar (database versions not stated): gnomAD 0.00849 and 0.00921; TOPMed 0.00951; 1000 Genomes Project 30x 0.01046; 1000 Genomes Project 0.01098.

Submission:

Illumina Laboratory Services, Illumina
Classification: Likely benign for Myostatin-related muscle hypertrophy. Last evaluated: 2017-04-27. Review status: criteria provided, single submitter. Criteria: ICSL Variant Classification Criteria 13 December 2019. Collection method: clinical testing. Allele origin: germline.
Comment: This variant was observed as part of a predisposition screen in an ostensibly healthy population. A literature search was performed for the gene, cDNA change, and amino acid change (where applicable). No publications were found based on this search. Allele frequency data from public databases allowed determination this variant is unlikely to cause disease. Therefore, this variant is classified as likely benign.